The following is an entry in ClinVar:

ClinVar aggregate classification (germline): Uncertain significance. Review status: criteria provided, multiple submitters, no conflicts (2 of 4 stars). 2 submissions from 2 submitters: Uncertain significance (2). Last evaluated 2024-09-19.

Conditions:
Malignant hyperthermia, susceptibility to, 5 (MHS5). Also called: CACNA1S-Related Malignant Hyperthermia Susceptibility. Identifiers: Orphanet 423, MedGen C1866077, MONDO:0011163, OMIM 601887.
Hypokalemic periodic paralysis, type 1. Also called: HypoPP; Hypokalemic Periodic Paralysis Type 1 (AD). Identifiers: Orphanet 681, MedGen C3714580, MONDO:0042979, OMIM 170400.

Submissions (2):

GeneDx
Classification: Uncertain significance. Last evaluated: 2024-09-19. Review status: criteria provided, single submitter. Criteria: GeneDx Variant Classification Process June 2021. Collection method: clinical testing. Allele origin: germline. Affected: yes.
Comment: Not observed at significant frequency in large population cohorts (gnomAD); In silico analysis supports that this missense variant has a deleterious effect on protein structure/function; Has not been previously published as pathogenic or benign to our knowledge

Labcorp Genetics (formerly Invitae), Labcorp
Classification: Uncertain significance for Hypokalemic periodic paralysis, type 1; Malignant hyperthermia, susceptibility to, 5. Last evaluated: 2022-10-01. Review status: criteria provided, single submitter. Criteria: Invitae Variant Classification Sherloc (09022015). Collection method: clinical testing. Allele origin: germline.
Comment: This sequence change replaces arginine, which is basic and polar, with tryptophan, which is neutral and slightly polar, at codon 341 of the CACNA1S protein (p.Arg341Trp). This variant is not present in population databases (gnomAD no frequency). This variant has not been reported in the literature in individuals affected with CACNA1S-related conditions. Algorithms developed to predict the effect of missense changes on protein structure and function (SIFT, PolyPhen-2, Align-GVGD) all suggest that this variant is likely to be disruptive. In summary, the available evidence is currently insufficient to determine the role of this variant in disease. Therefore, it has been classified as a Variant of Uncertain Significance.

NM_000069.3(CACNA1S):c.1021C>T (p.Arg341Trp)

Gene: CACNA1S (calcium voltage-gated channel subunit alpha1 S; minus strand). Cytogenetic location: 1q32.1.
Variant type: single nucleotide variant.
Coding change: c.1021C>T on transcript NM_000069.3 (MANE Select); coding-DNA position 1021, C replaced by T.
Protein change: p.Arg341Trp; replaces arginine 341 with tryptophan.
Molecular consequence: missense variant.
Genome position (GRCh38, 1-based): chr1:201,085,565, G>A on the plus strand (C>T on the coding strand, the complement: CACNA1S is on the minus strand). VCF-style: chr1-201085565-G-A. GRCh37 (hg19) VCF-style: chr1-201054693-G-A.
Other names: c.1021C>T (NM_000069.2); short protein forms R341W.
Identifiers: ClinVar variation 2148436 (VCV002148436.5), dbSNP rs1231520102, ClinGen allele CA344130189.
Genomic context (GRCh38, chr1:201,085,565, plus strand): 5'-CATCTAGTTGCTGCTTCTCCCGGAGCTTCTGGAAGGTTCCCCTGGACTTGGCCTTCTCCC[G>A]CTCCTTGGTGAATTCCCTGAAATGAGATGGGGGAGCCAGGAGAGGAGGAGAAGAGGGAAC-3'
Protein context (NP_000060.2, residues 331-351): GVLSGEFTKE[Arg341Trp]EKAKSRGTFQ